The following is an entry in ClinVar:

NM_001042492.3(NF1):c.7810C>T (p.Leu2604Phe)

Gene: NF1 (neurofibromin 1; plus strand). Cytogenetic location: 17q11.2.
Variant type: single nucleotide variant.
Coding change: c.7810C>T on transcript NM_001042492.3 (MANE Select); coding-DNA position 7810, C replaced by T.
Protein change: p.Leu2604Phe; replaces leucine 2604 with phenylalanine.
Molecular consequence: missense variant.
Genome position (GRCh38, 1-based): chr17:31,357,031, C>T. VCF-style: chr17-31357031-C-T. GRCh37 (hg19) VCF-style: chr17-29684049-C-T.
Other names: c.7747C>T, p.Leu2583Phe (NM_000267.4); short protein forms L2604F, L2583F.
Identifiers: ClinVar variation 1498110 (VCV001498110.8), dbSNP rs776602307, ClinGen allele CA399018536.
Genomic context (GRCh38, chr17:31,357,031, plus strand): 5'-ATTTCCTCATCACAACAGCACCCACATTTACGTAAAGTTTCAGTGTCTGAATCAAATGTT[C>T]TCTTGGATGAAGAAGTACTTACTGATCCGAAGATCCAGGCGCTGCTTCTTACTGTTCTAG-3'
Protein context (NP_001035957.1, residues 2594-2614): RKVSVSESNV[Leu2604Phe]LDEEVLTDPK

ClinVar aggregate classification (germline): Uncertain significance (1 of 4 stars; one submission).

Conditions:
Neurofibromatosis, type 1 (NF1). Also called: VON RECKLINGHAUSEN DISEASE; NEUROFIBROMATOSIS, TYPE I, SOMATIC; Peripheral type neurofibromatosis; Neurofibromatosis, type I. Identifiers: Orphanet 636, MedGen C0027831, MONDO:0018975, OMIM 162200. Disease mechanism: loss of function.

Submission:

Labcorp Genetics (formerly Invitae), Labcorp
Classification: Uncertain significance for Neurofibromatosis, type 1. Last evaluated: 2020-11-14. Review status: criteria provided, single submitter. Criteria: Invitae Variant Classification Sherloc (09022015). Collection method: clinical testing. Allele origin: germline.
Comment: This sequence change replaces leucine with phenylalanine at codon 2583 of the NF1 protein (p.Leu2583Phe). The leucine residue is moderately conserved and there is a small physicochemical difference between leucine and phenylalanine. This variant is not present in population databases (ExAC no frequency). This variant has not been reported in the literature in individuals with NF1-related conditions. Algorithms developed to predict the effect of missense changes on protein structure and function are either unavailable or do not agree on the potential impact of this missense change (SIFT: "Deleterious"; PolyPhen-2: "Probably Damaging"; Align-GVGD: "Class C0"). In summary, the available evidence is currently insufficient to determine the role of this variant in disease. Therefore, it has been classified as a Variant of Uncertain Significance.